The following is an entry in ClinVar:

NM_006031.6(PCNT):c.939_940del (p.Lys314fs)

Gene: PCNT (pericentrin; plus strand). Cytogenetic location: 21q22.3.
Variant type: Microsatellite.
Coding change: c.939_940del on transcript NM_006031.6 (MANE Select); coding-DNA positions 939 to 940, 2 bases deleted (GA; older notation c.939_940delGA).
Protein change: p.Lys314fs; shifts the reading frame from lysine 314.
Molecular consequence: frameshift variant.
Genome position (GRCh38, 1-based): chr21:46,346,961-46,346,962, GA deleted; deleting any 2 consecutive bases within chr21:46,346,959-46,346,962 gives the same sequence; the c. name uses the placement nearest the transcript's 3' end. VCF-style (leftmost placement, unchanged base first): chr21-46346958-GGA-G. GRCh37 (hg19) VCF-style: chr21-47766872-GGA-G.
Other names: c.585_586del, p.Lys196fs (NM_001315529.2); short protein forms K196fs, K314fs.
Identifiers: ClinVar variation 2765220 (VCV002765220.3), dbSNP rs2518057706, ClinGen allele CA2697547642.

ClinVar aggregate classification (germline): Pathogenic (1 of 4 stars; one submission).

Submission:

Labcorp Genetics (formerly Invitae), Labcorp
Classification: Pathogenic. Last evaluated: 2023-10-04. Review status: criteria provided, single submitter. Criteria: Invitae Variant Classification Sherloc (09022015). Collection method: clinical testing. Allele origin: germline.
Comment: This sequence change creates a premature translational stop signal (p.Lys314Glyfs*13) in the PCNT gene. It is expected to result in an absent or disrupted protein product. Loss-of-function variants in PCNT are known to be pathogenic (PMID: 18174396, 22821869). This variant is not present in population databases (gnomAD no frequency). This variant has not been reported in the literature in individuals affected with PCNT-related conditions. For these reasons, this variant has been classified as Pathogenic.

Literature cited by the submitters: PubMed 18174396; PubMed 22821869.